The following is an entry in ClinVar:

ClinVar aggregate classification (germline): Likely pathogenic (1 of 4 stars; one submission).

Conditions:
Autosomal recessive limb-girdle muscular dystrophy type 2J (LGMDR10). Also called: MUSCULAR DYSTROPHY, LIMB-GIRDLE, AUTOSOMAL RECESSIVE 10; Limb-girdle muscular dystrophy, type 2J. Identifiers: Orphanet 140922, MedGen C1837342, MONDO:0012127, OMIM 608807.
Dilated cardiomyopathy 1G (CMD1G). Identifiers: Orphanet 154, MedGen C1858763, MONDO:0011400, OMIM 604145.

Submission:

Labcorp Genetics (formerly Invitae), Labcorp
Classification: Likely pathogenic for Dilated cardiomyopathy 1G; Autosomal recessive limb-girdle muscular dystrophy type 2J. Last evaluated: 2025-07-22. Review status: criteria provided, single submitter. Criteria: Invitae Variant Classification Sherloc (09022015). Collection method: clinical testing. Allele origin: germline.
Comment: This sequence change creates a premature translational stop signal (p.Trp32843*) in the TTN gene. While this is not anticipated to result in nonsense mediated decay, it is expected to create a truncated TTN protein. This variant is not present in population databases (gnomAD no frequency). This premature translational stop signal has been observed in individual(s) with dilated cardiomyopathy (PMID: 33996946). This variant is located in the A band of TTN (PMID: 25589632). Truncating variants in this region are significantly overrepresented in patients affected with dilated cardiomyopathy (PMID: 25589632). Truncating variants in this region have also been reported in individuals affected with autosomal recessive centronuclear myopathy (PMID: 23975875). In summary, the currently available evidence indicates that the variant is pathogenic, but additional data are needed to prove that conclusively. Therefore, this variant has been classified as Likely Pathogenic.

Literature cited by the submitters: PubMed 33996946; PubMed 25589632; PubMed 23975875.

NM_001267550.2(TTN):c.98529G>A (p.Trp32843Ter)

Genes: TTN-AS1 (TTN antisense RNA 1; plus strand), TTN (titin; minus strand). Cytogenetic location: 2q31.2.
Variant type: single nucleotide variant.
Coding change: c.98529G>A on transcript NM_001267550.2 (MANE Select); coding-DNA position 98529, G replaced by A.
Protein change: p.Trp32843Ter; replaces tryptophan 32843 with a stop codon.
Molecular consequence: nonsense. On other transcripts: non-coding transcript variant (1).
Genome position (GRCh38, 1-based): chr2:178,539,536, C>T on the plus strand (G>A on the coding strand, the complement: TTN is on the minus strand). VCF-style: chr2-178539536-C-T. GRCh37 (hg19) VCF-style: chr2-179404263-C-T.
Other names: c.93606G>A, p.Trp31202Ter (NM_001256850.1); c.71334G>A, p.Trp23778Ter (NM_003319.4); c.90825G>A, p.Trp30275Ter (NM_133378.4); c.71709G>A, p.Trp23903Ter (NM_133432.3); c.71910G>A, p.Trp23970Ter (NM_133437.4); short protein forms W23903*, W31202*, W23970*, W30275*, W32843*, W23778*.
Identifiers: ClinVar variation 4793145 (VCV004793145.1).